The following is an entry in ClinVar:

NM_005422.4(TECTA):c.5717_5718inv (p.Ile1906Arg)

Genes: TBCEL-TECTA (TBCEL-TECTA readthrough; plus strand), TECTA (tectorin alpha; plus strand). Cytogenetic location: 11q23.3.
Variant type: Inversion.
Coding change: c.5717_5718inv on transcript NM_005422.4 (MANE Select).
Protein change: p.Ile1906Arg; replaces isoleucine 1906 with arginine.
Molecular consequence: missense variant.
Genome position: GRCh38 VCF-style: chr11-121168184-TC-GA. GRCh37 (hg19) VCF-style: chr11-121038893-TC-GA.
Other names: c.6659_6660inv, p.Ile2220Arg (NM_001378761.1); short protein forms I1906R, I2220R.
Identifiers: ClinVar variation 179239 (VCV000179239.5), ClinGen allele CA184030.

ClinVar aggregate classification (germline): Uncertain significance (1 of 4 stars; one submission).

Submission:

Laboratory for Molecular Medicine, Mass General Brigham Personalized Medicine
Classification: Uncertain significance. Last evaluated: 2014-02-01. Review status: criteria provided, single submitter. Criteria: LMM Criteria. Collection method: clinical testing. Allele origin: germline. Observed: 1 variant allele.
Comment: Variant classified as Uncertain Significance - Favor Pathogenic. The Ile1906Arg variant in TECTA has not been previously reported in individuals with hearing lo ss or in large population studies. Computational analyses (biochemical amino aci d properties, conservation, AlignGVGD, PolyPhen2, and SIFT) suggest that the Ile 1906Arg variant may impact the protein, though this information is not predictiv e enough to determine pathogenicity. In summary, the clinical significance of t his variant cannot be determined without additional data.